The following is an entry in ClinVar:

NM_001903.5(CTNNA1):c.1636del (p.Arg546fs)

Gene: CTNNA1 (catenin alpha 1; plus strand). Cytogenetic location: 5q31.2.
Variant type: Deletion.
Coding change: c.1636del on transcript NM_001903.5 (MANE Select); coding-DNA position 1636, one base deleted (C; older notation c.1636delC).
Protein change: p.Arg546fs; shifts the reading frame from arginine 546.
Molecular consequence: frameshift variant.
Genome position (GRCh38, 1-based): chr5:138,924,599, C deleted. VCF-style (leftmost placement, unchanged base first): chr5-138924598-TC-T. GRCh37 (hg19) VCF-style: chr5-138260287-TC-T.
Other names: c.1636del, p.Arg546fs (NM_001290307.3, NM_001323982.2, NM_001323983.1 and 2 more transcripts); c.1327del, p.Arg443fs (NM_001290309.3); c.1267del, p.Arg423fs (NM_001290310.3); c.526del, p.Arg176fs (NM_001290312.1, NM_001323987.1, NM_001323988.1 and 17 more transcripts); c.1543del, p.Arg515fs (NM_001323986.2); c.187del, p.Arg63fs (NM_001324006.1, NM_001324007.1, NM_001324008.1 and 2 more transcripts); c.433del, p.Arg145fs (NM_001324011.1); c.283del, p.Arg95fs (NM_001324012.1, NM_001324013.1); short protein forms R515fs, R546fs, R145fs, R63fs, R95fs, R443fs, R176fs, R423fs.
Identifiers: ClinVar variation 1776938 (VCV001776938.7), dbSNP rs2533710424, ClinGen allele CA2580072868.

ClinVar aggregate classification (germline): Pathogenic. Review status: criteria provided, multiple submitters, no conflicts (2 of 4 stars). 3 submissions from 3 submitters: Pathogenic (3). Last evaluated 2025-07-16.

Conditions:
Hereditary cancer-predisposing syndrome. Also called: Tumor predisposition; Neoplastic Syndromes, Hereditary; Hereditary Cancer Syndrome; Hereditary neoplastic syndrome. Identifiers: Orphanet 140162, MedGen C0027672, MeSH D009386, MONDO:0015356.
Hereditary diffuse gastric adenocarcinoma (HDGC). Also called: DIFFUSE GASTRIC AND LOBULAR BREAST CANCER SYNDROME. Identifiers: Orphanet 26106, MedGen C1708349, MONDO:0007648, OMIM 137215.

Submissions (3):

Ambry Genetics
Classification: Pathogenic for Hereditary cancer-predisposing syndrome. Last evaluated: 2025-07-16. Review status: criteria provided, single submitter. Criteria: Ambry Variant Classification Scheme 2023. Collection method: clinical testing. Allele origin: germline.
Comment: The c.1636delC pathogenic mutation, located in coding exon 11 of the CTNNA1 gene, results from a deletion of one nucleotide at nucleotide position 1636, causing a translational frameshift with a predicted alternate stop codon (p.R546Efs*10). This variant is considered to be rare based on population cohorts in the Genome Aggregation Database (gnomAD). This alteration is expected to result in loss of function by premature protein truncation or nonsense-mediated mRNA decay. As such, this alteration is interpreted as a disease-causing mutation.

Labcorp Genetics (formerly Invitae), Labcorp
Classification: Pathogenic. Last evaluated: 2023-05-15. Review status: criteria provided, single submitter. Criteria: Invitae Variant Classification Sherloc (09022015). Collection method: clinical testing. Allele origin: germline.
Comment: For these reasons, this variant has been classified as Pathogenic. ClinVar contains an entry for this variant (Variation ID: 1776938). This variant has not been reported in the literature in individuals affected with CTNNA1-related conditions. This variant is not present in population databases (gnomAD no frequency). This sequence change creates a premature translational stop signal (p.Arg546Glufs*10) in the CTNNA1 gene. It is expected to result in an absent or disrupted protein product. Loss-of-function variants in CTNNA1 are known to be pathogenic (PMID: 32051609, 34425242).

Myriad Genetics, Inc.
Classification: Pathogenic for Hereditary diffuse gastric adenocarcinoma. Last evaluated: 2023-03-17. Review status: criteria provided, single submitter. Criteria: Myriad Autosomal Dominant, Autosomal Recessive and X-Linked Classification Criteria (2023). Collection method: clinical testing. Allele origin: unknown.
Comment: This variant is considered pathogenic. This variant creates a frameshift predicted to result in premature protein truncation.

Literature cited by the submitters: PubMed 32051609 (cited by Labcorp Genetics (formerly Invitae), Labcorp); PubMed 34425242 (cited by Labcorp Genetics (formerly Invitae), Labcorp).